The following is an entry in ClinVar:

NM_015450.3(POT1):c.961G>C (p.Val321Leu)

Gene: POT1 (protection of telomeres 1; minus strand). Cytogenetic location: 7q31.33.
Variant type: single nucleotide variant.
Coding change: c.961G>C on transcript NM_015450.3 (MANE Select); coding-DNA position 961, G replaced by C.
Protein change: p.Val321Leu; replaces valine 321 with leucine.
Molecular consequence: missense variant. On other transcripts: non-coding transcript variant (3).
Genome position (GRCh38, 1-based): chr7:124,846,987, C>G on the plus strand (G>C on the coding strand, the complement: POT1 is on the minus strand). VCF-style: chr7-124846987-C-G. GRCh37 (hg19) VCF-style: chr7-124487041-C-G.
Other names: c.961G>C (NM_015450.2); c.568G>C, p.Val190Leu (NM_001042594.2); short protein forms V190L, V321L.
Identifiers: ClinVar variation 1358622 (VCV001358622.9), dbSNP rs764369599, ClinGen allele CA369053836.

ClinVar aggregate classification (germline): Uncertain significance. Review status: criteria provided, multiple submitters, no conflicts (2 of 4 stars). 2 submissions from 2 submitters: Uncertain significance (2). Last evaluated 2024-02-02.

Conditions:
Hereditary cancer-predisposing syndrome. Also called: Neoplastic Syndromes, Hereditary; Tumor predisposition; Hereditary Cancer Syndrome; Hereditary neoplastic syndrome. Identifiers: Orphanet 140162, MedGen C0027672, MeSH D009386, MONDO:0015356.
Tumor predisposition syndrome 3 (TPDS3). Also called: Melanoma, cutaneous malignant, susceptibility to, 10; Glioma susceptibility 9; LONG TELOMERE SYNDROME, POT1-RELATED; POT1 Tumor Predisposition. Identifiers: Orphanet 618, MedGen C4014476, MONDO:0014368, OMIM 615848.

Submissions (2):

Ambry Genetics
Classification: Uncertain significance for Hereditary cancer-predisposing syndrome. Last evaluated: 2024-02-02. Review status: criteria provided, single submitter. Criteria: Ambry Variant Classification Scheme 2023. Collection method: clinical testing. Allele origin: germline.
Comment: The p.V321L variant (also known as c.961G>C), located in coding exon 8 of the POT1 gene, results from a G to C substitution at nucleotide position 961. The valine at codon 321 is replaced by leucine, an amino acid with highly similar properties. This amino acid position is conserved. In addition, this alteration is predicted to be tolerated by in silico analysis. Based on the available evidence, the clinical significance of this alteration remains unclear.

Labcorp Genetics (formerly Invitae), Labcorp
Classification: Uncertain significance for Tumor predisposition syndrome 3. Last evaluated: 2023-10-20. Review status: criteria provided, single submitter. Criteria: Invitae Variant Classification Sherloc (09022015). Collection method: clinical testing. Allele origin: germline.
Comment: This sequence change replaces valine, which is neutral and non-polar, with leucine, which is neutral and non-polar, at codon 321 of the POT1 protein (p.Val321Leu). This variant is not present in population databases (gnomAD no frequency). This variant has not been reported in the literature in individuals affected with POT1-related conditions. ClinVar contains an entry for this variant (Variation ID: 1358622). Advanced modeling of protein sequence and biophysical properties (such as structural, functional, and spatial information, amino acid conservation, physicochemical variation, residue mobility, and thermodynamic stability) performed at Invitae indicates that this missense variant is not expected to disrupt POT1 protein function. In summary, the available evidence is currently insufficient to determine the role of this variant in disease. Therefore, it has been classified as a Variant of Uncertain Significance.